The following is an entry in ClinVar:

ClinVar aggregate classification (germline): Likely benign (0 of 4 stars; one submission).

Conditions:
RMI1-related disorder. Also called: RMI1-related condition.

Allele frequency attached by ClinVar (database versions not stated): gnomAD exomes 0.00011; ExAC 0.00047; ESP Exome Variant Server 0.00138; TOPMed 0.00142; gnomAD 0.00143; 1000 Genomes Project 0.00260; 1000 Genomes Project 30x 0.00297.
gnomAD v4.1: 388 of 1,606,202 alleles (0.024%); highest among the groups gnomAD compares: African/African-American, 0.46%; 1 homozygote.

Submission:

PreventionGenetics, part of Exact Sciences
Classification: Likely benign for RMI1-related condition. Last evaluated: 2019-11-25. Review status: no assertion criteria provided. Collection method: clinical testing. Allele origin: germline.
Comment: This variant is classified as likely benign based on ACMG/AMP sequence variant interpretation guidelines (Richards et al. 2015 PMID: 25741868, with internal and published modifications).

NM_001358291.2(RMI1):c.1813G>T (p.Val605Leu)

Gene: RMI1 (RecQ mediated genome instability 1; plus strand). Cytogenetic location: 9q21.32.
Variant type: single nucleotide variant.
Coding change: c.1813G>T on transcript NM_001358291.2 (MANE Select); coding-DNA position 1813, G replaced by T.
Protein change: p.Val605Leu; replaces valine 605 with leucine.
Molecular consequence: missense variant.
Genome position (GRCh38, 1-based): chr9:84,002,799, G>T. VCF-style: chr9-84002799-G-T. GRCh37 (hg19) VCF-style: chr9-86617714-G-T.
Other names: c.1813G>T, p.Val605Leu (NM_001358292.2, NM_001358293.2, NM_001358294.2 and 1 more transcripts); short protein forms V605L.
Identifiers: ClinVar variation 3048666 (VCV003048666.2), dbSNP rs150128177, ClinGen allele CA5104654.